The following is an entry in ClinVar:

NM_001009944.3(PKD1):c.5984G>C (p.Arg1995Pro)

Gene: PKD1 (polycystin 1, transient receptor potential channel interacting; minus strand). Cytogenetic location: 16p13.3.
Variant type: single nucleotide variant.
Coding change: c.5984G>C on transcript NM_001009944.3 (MANE Select); coding-DNA position 5984, G replaced by C.
Protein change: p.Arg1995Pro; replaces arginine 1995 with proline.
Molecular consequence: missense variant.
Genome position (GRCh38, 1-based): chr16:2,109,183, C>G on the plus strand (G>C on the coding strand, the complement: PKD1 is on the minus strand). VCF-style: chr16-2109183-C-G. GRCh37 (hg19) VCF-style: chr16-2159184-C-G.
Other names: c.5984G>C, p.Arg1995Pro (NM_000296.4); short protein forms R1995P.
Identifiers: ClinVar variation 636685 (VCV000636685.5), dbSNP rs752388015, ClinGen allele CA394374827.

ClinVar aggregate classification (germline): Conflicting classifications of pathogenicity. Review status: criteria provided, conflicting classifications (1 of 4 stars). 2 submissions from 2 submitters: Likely pathogenic (1); Uncertain significance (1). Last evaluated 2025-10-02.

Conditions:
PKD1-related disorder. Also called: PKD1-related condition.

Submissions (2):

PreventionGenetics, part of Exact Sciences
Classification: Likely pathogenic for PKD1-related condition. Last evaluated: 2025-10-02. Review status: criteria provided, single submitter. Criteria: ACMG Guidelines, 2015. Collection method: clinical testing. Allele origin: germline.
Comment: The PKD1 c.5984G>C variant is predicted to result in the amino acid substitution p.Arg1995Pro. This variant segregated with autosomal dominant polycystic kidney disease (ADPKD) in a family including five affected and one unaffected individuals in two generations at PreventionGenetics (internal data). To our knowledge, this variant has not been reported in the literature or in a large population database (gnomAD), indicating this variant is rare. Of note, a different substitution at the same amino acid, defined as c.5983C>T (p.Arg1995Cys), was reported in patients with polycystic kidney disease (Supplemental Table 1, Cornec-Le Gall et al. 2013. PubMed ID: 23431072; Kim et al. 2021. PubMed ID: 32816041). Taken together, the c.5984G>C (p.Arg1995Pro) variant is interpreted as likely pathogenic.

Blueprint Genetics
Classification: Uncertain significance. Last evaluated: 2018-06-15. Review status: criteria provided, single submitter. Criteria: ACMG Guidelines, 2015. Collection method: clinical testing. Allele origin: germline.